The following is an entry in ClinVar:

ClinVar aggregate classification (germline): Uncertain significance (1 of 4 stars; one submission).

Submission:

Labcorp Genetics (formerly Invitae), Labcorp
Classification: Uncertain significance. Last evaluated: 2023-02-22. Review status: criteria provided, single submitter. Criteria: Invitae Variant Classification Sherloc (09022015). Collection method: clinical testing. Allele origin: unknown.
Comment: A copy number gain of the genomic region encompassing the full coding sequence of the IGF2 gene has been identified. The boundaries of this event are unknown as they extend beyond the assayed region for this gene and therefore may encompass additional genes. As the precise location of this event is unknown, it may be in tandem or it may be located elsewhere in the genome. This variant has not been reported in the literature in individuals affected with IGF2-related conditions. In summary, the available evidence is currently insufficient to determine the role of this variant in disease. Therefore, it has been classified as a Variant of Uncertain Significance.

NC_000011.9:g.(?_2152541)_(2170595_?)dup

Genes: IGF2 (insulin like growth factor 2; minus strand), IGF2-AS (IGF2 antisense RNA; plus strand), INS-IGF2 (INS-IGF2 readthrough; minus strand). Cytogenetic location: 11p15.5.
Variant type: Duplication.
Identifiers: ClinVar variation 3244736 (VCV003244736.1).